The following is an entry in ClinVar:

ClinVar aggregate classification (germline): Benign (1 of 4 stars; one submission).

Conditions:
Polydactyly of a triphalangeal thumb. Also called: POLYDACTYLY OF TRIPHALANGEAL THUMB; TRIPHALANGEAL THUMB-POLYDACTYLY SYNDROME; Polydactyly, preaxial type II. Identifiers: Orphanet 2439, Orphanet 2950, Orphanet 93336, MedGen C1868114, MONDO:0008270, OMIM 174500.

Allele frequency attached by ClinVar (database versions not stated): 1000 Genomes Project 0.00479; 1000 Genomes Project 30x 0.00593; TOPMed 0.00733.

Submission:

Illumina Laboratory Services, Illumina
Classification: Benign for Polydactyly of a triphalangeal thumb. Last evaluated: 2018-01-13. Review status: criteria provided, single submitter. Criteria: ICSL Variant Classification Criteria 13 December 2019. Collection method: clinical testing. Allele origin: germline.
Comment: This variant was observed in the ICSL laboratory as part of a predisposition screen in an ostensibly healthy population. It had not been previously curated by ICSL or reported in the Human Gene Mutation Database (HGMD: prior to June 1st, 2018), and was therefore a candidate for classification through an automated scoring system. Utilizing variant allele frequency, disease prevalence and penetrance estimates, and inheritance mode, an automated score was calculated to assess if this variant is too frequent to cause the disease. Based on the score and internal cut-off values, a variant classified as benign is not then subjected to further curation. The score for this variant resulted in a classification of benign for this disease.

NM_022458.4(LMBR1):c.*2198C>G

Gene: LMBR1 (limb development membrane protein 1; minus strand). Cytogenetic location: 7q36.3.
Variant type: single nucleotide variant.
Coding change: c.*2198C>G on transcript NM_022458.4 (MANE Select); 2198 bases downstream of the stop codon, C replaced by G.
Molecular consequence: 3 prime UTR variant. On other transcripts: non-coding transcript variant (2).
Genome position (GRCh38, 1-based): chr7:156,681,880, G>C on the plus strand (C>G on the coding strand, the complement: LMBR1 is on the minus strand). VCF-style: chr7-156681880-G-C. GRCh37 (hg19) VCF-style: chr7-156474574-G-C.
Other names: c.*2198C>G (NM_001350953.2, NM_001350954.2, NM_001350955.2 and 8 more transcripts).
Identifiers: ClinVar variation 359385 (VCV000359385.5), dbSNP rs116037533, ClinGen allele CA10628610.